The following is an entry in ClinVar:

ClinVar aggregate classification (germline): Benign/Likely benign. Review status: criteria provided, multiple submitters, no conflicts (2 of 4 stars). 3 submissions from 3 submitters: Benign (1); Likely benign (2). Last evaluated 2026-08-17.

Conditions:
DICER1-related tumor predisposition. Also called: DICER1-related pleuropulmonary blastoma cancer predisposition syndrome; DICER1 syndrome. Identifiers: Orphanet 284343, MedGen C3839822, MONDO:0100216.
Hereditary cancer-predisposing syndrome. Also called: Tumor predisposition; Hereditary Cancer Syndrome; Hereditary neoplastic syndrome; Neoplastic Syndromes, Hereditary. Identifiers: Orphanet 140162, MedGen C0027672, MeSH D009386, MONDO:0015356.

Submissions (3):

Myriad Genetics, Inc.
Classification: Benign for DICER1-related tumor predisposition. Last evaluated: 2026-08-17. Review status: criteria provided, single submitter. Criteria: Myriad Autosomal Dominant, Autosomal Recessive and X-Linked Classification Criteria (2023). Collection method: clinical testing. Allele origin: unknown.
Comment: This variant is considered benign. This variant is a silent/synonymous amino acid change and it is not expected to impact splicing.

Labcorp Genetics (formerly Invitae), Labcorp
Classification: Likely benign for DICER1-related tumor predisposition. Last evaluated: 2024-02-01. Review status: criteria provided, single submitter. Criteria: Invitae Variant Classification Sherloc (09022015). Collection method: clinical testing. Allele origin: germline.

Ambry Genetics
Classification: Likely benign for Hereditary cancer-predisposing syndrome. Last evaluated: 2019-09-19. Review status: criteria provided, single submitter. Criteria: Ambry Variant Classification Scheme 2023. Collection method: clinical testing. Allele origin: germline.

NM_177438.3(DICER1):c.24C>T (p.Pro8=)

Gene: DICER1 (dicer 1, ribonuclease III; minus strand). Cytogenetic location: 14q32.13.
Variant type: single nucleotide variant.
Coding change: c.24C>T on transcript NM_177438.3 (MANE Select); coding-DNA position 24, C replaced by T.
Protein change: p.Pro8=; no amino-acid change (proline 8 retained).
Molecular consequence: synonymous variant.
Genome position (GRCh38, 1-based): chr14:95,133,435, G>A on the plus strand (C>T on the coding strand, the complement: DICER1 is on the minus strand). VCF-style: chr14-95133435-G-A. GRCh37 (hg19) VCF-style: chr14-95599772-G-A.
Other names: c.24C>T, p.Pro8= (NM_001195573.1, NM_001271282.3, NM_001291628.2 and 1 more transcripts).
Identifiers: ClinVar variation 1528927 (VCV001528927.12), dbSNP rs2140296643, ClinGen allele CA487634230.